The following is an entry in ClinVar:

NM_032242.4(PLXNA1):c.2972A>G (p.Asp991Gly)

Genes: PLXNA1 (plexin A1; plus strand), LOC129937476 (ATAC-STARR-seq lymphoblastoid active region 20450; plus strand). Cytogenetic location: 3q21.3.
Variant type: single nucleotide variant.
Coding change: c.2972A>G on transcript NM_032242.4 (MANE Select); coding-DNA position 2972, A replaced by G.
Protein change: p.Asp991Gly; replaces aspartic acid 991 with glycine.
Molecular consequence: missense variant.
Genome position (GRCh38, 1-based): chr3:127,015,278, A>G. VCF-style: chr3-127015278-A-G. GRCh37 (hg19) VCF-style: chr3-126734121-A-G.
Other names: c.2972A>G (NM_032242.3); short protein forms D991G.
Identifiers: ClinVar variation 2419397 (VCV002419397.9), dbSNP rs553732537, ClinGen allele CA2593832.

ClinVar aggregate classification (germline): Likely benign. Review status: criteria provided, single submitter (1 of 4 stars). 2 submissions from 2 submitters: Likely benign (1). 1 of the submissions does not count toward it. Last evaluated 2023-05-22.

Conditions:
PLXNA1-related disorder. Also called: PLXNA1-related condition.

Allele frequency attached by ClinVar (database versions not stated): TOPMed 0.00002; 1000 Genomes Project 30x 0.00016; 1000 Genomes Project 0.00020; gnomAD exomes 0.00022; gnomAD 0.00042.
gnomAD v4.1: 385 of 1,565,776 alleles (0.025%); highest among the groups gnomAD compares: Admixed American, 0.0034%; no homozygotes.

Submissions (2):

Labcorp Genetics (formerly Invitae), Labcorp
Classification: Likely benign. Last evaluated: 2023-05-22. Review status: criteria provided, single submitter. Criteria: Invitae Variant Classification Sherloc (09022015). Collection method: clinical testing. Allele origin: germline.

PreventionGenetics, part of Exact Sciences
Classification: Likely benign for PLXNA1-related condition. Last evaluated: 2023-07-20. Review status: no assertion criteria provided. Collection method: clinical testing. Allele origin: germline. Not counted in ClinVar's aggregate classification.
Comment: This variant is classified as likely benign based on ACMG/AMP sequence variant interpretation guidelines (Richards et al. 2015 PMID: 25741868, with internal and published modifications).